The following is an entry in ClinVar:

NM_001040108.2(MLH3):c.3713T>C (p.Ile1238Thr)

Gene: MLH3 (mutL homolog 3; minus strand). Cytogenetic location: 14q24.3.
Variant type: single nucleotide variant.
Coding change: c.3713T>C on transcript NM_001040108.2 (MANE Select); coding-DNA position 3713, T replaced by C.
Protein change: p.Ile1238Thr; replaces isoleucine 1238 with threonine.
Molecular consequence: missense variant. On other transcripts: intron variant (1).
Genome position (GRCh38, 1-based): chr14:75,033,421, A>G on the plus strand (T>C on the coding strand, the complement: MLH3 is on the minus strand). VCF-style: chr14-75033421-A-G. GRCh37 (hg19) VCF-style: chr14-75500124-A-G.
Other names: c.3644-1242T>C (NM_014381.3); short protein forms I1238T.
Identifiers: ClinVar variation 2718089 (VCV002718089.5), dbSNP rs1363518429, ClinGen allele CA390425242.

ClinVar aggregate classification (germline): Conflicting classifications of pathogenicity. Review status: criteria provided, conflicting classifications (1 of 4 stars). 3 submissions from 3 submitters: Uncertain significance (2); Likely benign (1). Last evaluated 2025-12-29.

Conditions:
Colorectal cancer, hereditary nonpolyposis, type 7. Identifiers: Orphanet 144, MedGen C1858380, MONDO:0013725, OMIM 614385.

Allele frequency attached by ClinVar (database versions not stated): gnomAD exomes below 0.00001.
gnomAD v4.1: 2 of 1,614,046 alleles (0.00012%); highest among the groups gnomAD compares: East Asian, 0.0022%; no homozygotes.

Submissions (3):

Center for Genomic Medicine, Rigshospitalet, Copenhagen University Hospital
Classification: Uncertain significance. Last evaluated: 2025-12-29. Review status: criteria provided, single submitter. Criteria: ACMG Guidelines, 2015. Collection method: clinical testing. Allele origin: germline.

Ambry Genetics
Classification: Likely benign. Last evaluated: 2024-02-09. Review status: criteria provided, single submitter. Criteria: Ambry Variant Classification Scheme 2023. Collection method: clinical testing. Allele origin: germline.

Labcorp Genetics (formerly Invitae), Labcorp
Classification: Uncertain significance for Colorectal cancer, hereditary nonpolyposis, type 7. Last evaluated: 2022-11-20. Review status: criteria provided, single submitter. Criteria: Invitae Variant Classification Sherloc (09022015). Collection method: clinical testing. Allele origin: germline.
Comment: In summary, the available evidence is currently insufficient to determine the role of this variant in disease. Therefore, it has been classified as a Variant of Uncertain Significance. Algorithms developed to predict the effect of missense changes on protein structure and function output the following: SIFT: "Tolerated"; PolyPhen-2: "Benign"; Align-GVGD: "Class C0". The threonine amino acid residue is found in multiple mammalian species, which suggests that this missense change does not adversely affect protein function. This variant has not been reported in the literature in individuals affected with MLH3-related conditions. This variant is present in population databases (no rsID available, gnomAD 0.006%). This sequence change replaces isoleucine, which is neutral and non-polar, with threonine, which is neutral and polar, at codon 1238 of the MLH3 protein (p.Ile1238Thr).